The following is an entry in ClinVar:

ClinVar aggregate classification (germline): Benign. Review status: criteria provided, multiple submitters, no conflicts (2 of 4 stars). 4 submissions from 4 submitters: Benign (3). 1 of the submissions does not count toward it. Last evaluated 2024-09-01.

Conditions:
PPARGC1A-related disorder. Also called: PPARGC1A-related condition.

Allele frequency attached by ClinVar (database versions not stated): gnomAD exomes 0.00100 and 0.00236; ExAC 0.00256; ESP Exome Variant Server 0.00738; gnomAD 0.00779 and 0.00811; TOPMed 0.00923; 1000 Genomes Project 0.01058; 1000 Genomes Project 30x 0.01187.
gnomAD v4.1: 2,770 of 1,614,092 alleles (0.17%); highest among the groups gnomAD compares: African/African-American, 2.6%; 36 homozygotes.

Submissions (4):

CeGaT Center for Human Genetics Tuebingen
Classification: Benign. Last evaluated: 2024-09-01. Review status: criteria provided, single submitter. Criteria: CeGaT Center For Human Genetics Tuebingen Variant Classification Criteria Version 2. Collection method: clinical testing. Allele origin: germline. Affected: yes. Observed: 1 variant allele.
Comment: PPARGC1A: BP4, BS1, BS2

Labcorp Genetics (formerly Invitae), Labcorp
Classification: Benign. Last evaluated: 2018-07-05. Review status: criteria provided, single submitter. Criteria: Invitae Variant Classification Sherloc (09022015). Collection method: clinical testing. Allele origin: germline.

Breakthrough Genomics
Classification: Benign. Review status: criteria provided, single submitter. Criteria: ACMG Guidelines, 2015. Collection method: not provided. Allele origin: germline. Inheritance: Unknown mechanism. Affected: yes.

PreventionGenetics, part of Exact Sciences
Classification: Benign for PPARGC1A-related condition. Last evaluated: 2024-05-31. Review status: no assertion criteria provided. Collection method: clinical testing. Allele origin: germline. Not counted in ClinVar's aggregate classification.
Comment: This variant is classified as benign based on ACMG/AMP sequence variant interpretation guidelines (Richards et al. 2015 PMID: 25741868, with internal and published modifications).

NM_013261.5(PPARGC1A):c.1313T>C (p.Leu438Ser)

Gene: PPARGC1A (PPARG coactivator 1 alpha; minus strand). Cytogenetic location: 4p15.2.
Variant type: single nucleotide variant.
Coding change: c.1313T>C on transcript NM_013261.5 (MANE Select); coding-DNA position 1313, T replaced by C.
Protein change: p.Leu438Ser; replaces leucine 438 with serine.
Molecular consequence: missense variant. On other transcripts: non-coding transcript variant (7).
Genome position (GRCh38, 1-based): chr4:23,814,170, A>G on the plus strand (T>C on the coding strand, the complement: PPARGC1A is on the minus strand). VCF-style: chr4-23814170-A-G. GRCh37 (hg19) VCF-style: chr4-23815793-A-G.
Other names: c.1328T>C (NM_001330751.1); c.1328T>C, p.Leu443Ser (NM_001330751.2, NM_001354825.2, NM_001354827.2); c.1277T>C, p.Leu426Ser (NM_001330752.2); c.932T>C, p.Leu311Ser (NM_001330753.2, NM_001354826.2); short protein forms L311S, L438S, L443S, L426S.
Identifiers: ClinVar variation 778141 (VCV000778141.19), dbSNP rs35437002, ClinGen allele CA2875277.